The following is an entry in ClinVar:

ClinVar aggregate classification (germline): Likely benign (0 of 4 stars; one submission).

Conditions:
WDPCP-related disorder. Also called: WDPCP-related condition.

Allele frequency attached by ClinVar (database versions not stated): ExAC 0.00001; gnomAD 0.00002; TOPMed 0.00003.
gnomAD v4.1: 18 of 1,596,222 alleles (0.0011%); highest among the groups gnomAD compares: East Asian, 0.0068%; no homozygotes.

Submission:

PreventionGenetics, part of Exact Sciences
Classification: Likely benign for WDPCP-related condition. Last evaluated: 2022-02-08. Review status: no assertion criteria provided. Collection method: clinical testing. Allele origin: germline.
Comment: This variant is classified as likely benign based on ACMG/AMP sequence variant interpretation guidelines (Richards et al. 2015 PMID: 25741868, with internal and published modifications).

NM_015910.7(WDPCP):c.500-304C>T

Gene: WDPCP (WD repeat containing planar cell polarity effector; minus strand). Cytogenetic location: 2p15.
Variant type: single nucleotide variant.
Coding change: c.500-304C>T on transcript NM_015910.7 (MANE Select); 304 bases into the intron before coding-DNA position 500, C replaced by T.
Molecular consequence: intron variant.
Genome position (GRCh38, 1-based): chr2:63,437,858, G>A on the plus strand (C>T on the coding strand, the complement: WDPCP is on the minus strand). VCF-style: chr2-63437858-G-A. GRCh37 (hg19) VCF-style: chr2-63664992-G-A.
Other names: c.428-304C>T (NM_001354044.2); c.22+4C>T (NM_001042692.3); c.500-304C>T (NM_001354045.2).
Identifiers: ClinVar variation 3054982 (VCV003054982.2), dbSNP rs778510866, ClinGen allele CA1682434.